The following is an entry in ClinVar:

NM_003931.3(WASF1):c.893+3A>T

Gene: WASF1 (WASP family member 1; minus strand). Cytogenetic location: 6q21.
Variant type: single nucleotide variant.
Coding change: c.893+3A>T on transcript NM_003931.3 (MANE Select); 3 bases into the intron after coding-DNA position 893, A replaced by T.
Molecular consequence: intron variant.
Genome position (GRCh38, 1-based): chr6:110,103,375, T>A on the plus strand (A>T on the coding strand, the complement: WASF1 is on the minus strand). VCF-style: chr6-110103375-T-A. GRCh37 (hg19) VCF-style: chr6-110424578-T-A.
Other names: c.893+3A>T (NM_001024936.2, NM_001024935.2, NM_001024934.2).
Identifiers: ClinVar variation 2230130 (VCV002230130.2), dbSNP rs1429856835, ClinGen allele CA569634092.

ClinVar aggregate classification (germline): Uncertain significance (1 of 4 stars; one submission).

Conditions:
Inborn genetic diseases. Identifiers: MedGen C0950123, MeSH D030342.

Allele frequency attached by ClinVar (database versions not stated): gnomAD 0.00001; TOPMed 0.00001.
gnomAD v4.1: 2 of 1,610,558 alleles (0.00012%); highest among the groups gnomAD compares: Non-Finnish European, 0.00017%; no homozygotes.

Submission:

Ambry Genetics
Classification: Uncertain significance for Inborn genetic diseases. Last evaluated: 2021-05-05. Review status: criteria provided, single submitter. Criteria: Ambry Variant Classification Scheme 2023. Collection method: clinical testing. Allele origin: germline.
Comment: The c.893+3A>T intronic alteration consists of an A to T substitution 3 nucleotides after exon 9 (coding exon 6) of the WASF1 gene. Based on insufficient or conflicting evidence, the clinical significance of this alteration remains unclear.